The following is an entry in ClinVar:

ClinVar aggregate classification (germline): Benign (3 of 4 stars; one submission).

Conditions:
Breast-ovarian cancer, familial, susceptibility to, 1 (BROVCA1). Also called: BRCA1 Hereditary Breast and Ovarian Cancer; OVARIAN CANCER, SUSCEPTIBILITY TO. Identifiers: Orphanet 145, MedGen C2676676, MONDO:0011450, OMIM 604370. Disease mechanism: loss of function.

Allele frequency attached by ClinVar (database versions not stated): gnomAD 0.03171 and 0.02977; 1000 Genomes Project 0.03275; TOPMed 0.03277; 1000 Genomes Project 30x 0.03357.
gnomAD v4.1: 4,406 of 149,792 alleles (2.9%); highest among the groups gnomAD compares: African/African-American, 10%; 217 homozygotes.

Submission:

Evidence-based Network for the Interpretation of Germline Mutant Alleles (ENIGMA)
Classification: Benign for Breast-ovarian cancer, familial 1. Last evaluated: 2015-01-12. Review status: reviewed by expert panel. Criteria: ENIGMA BRCA1/2 Classification Criteria (2015). Collection method: curation. Allele origin: germline.
Comment: Class 1 not pathogenic based on frequency >1% in an outbred sampleset. Frequency 0.1199 (African), derived from 1000 genomes (2012-04-30).

NM_007294.4(BRCA1):c.4675+581T>C

Gene: BRCA1 (BRCA1 DNA repair associated; minus strand). Cytogenetic location: 17q21.31.
Variant type: single nucleotide variant.
Coding change: c.4675+581T>C on transcript NM_007294.4 (MANE Select); 581 bases into the intron after coding-DNA position 4675, T replaced by C.
Molecular consequence: intron variant.
Genome position (GRCh38, 1-based): chr17:43,073,750, A>G on the plus strand (T>C on the coding strand, the complement: BRCA1 is on the minus strand). VCF-style: chr17-43073750-A-G. GRCh37 (hg19) VCF-style: chr17-41225767-A-G.
Other names: IVS 15+581T>C; c.1222+581T>C (NM_001408458.1, NM_001408461.1, NM_001408464.1 and 7 more transcripts); c.3784+581T>C (NM_001407967.1); c.4294+581T>C (NM_001407959.1); c.4408+581T>C (NM_001407931.1, NM_001407932.1, NM_001407928.1 and 4 more transcripts); c.4531+581T>C (NM_001407747.1, NM_001407745.1, NM_001407737.1 and 21 more transcripts); c.4291+581T>C (NM_001407962.1, NM_001407960.1); c.862+581T>C (NM_001408512.1); and 72 more.
Identifiers: ClinVar variation 209366 (VCV000209366.2), dbSNP rs8176217, ClinGen allele CA276338.